The following is an entry in ClinVar:

ClinVar aggregate classification (germline): Uncertain significance (1 of 4 stars; one submission).

Submission:

Labcorp Genetics (formerly Invitae), Labcorp
Classification: Uncertain significance. Last evaluated: 2022-05-13. Review status: criteria provided, single submitter. Criteria: Invitae Variant Classification Sherloc (09022015). Collection method: clinical testing. Allele origin: germline.
Comment: In summary, the available evidence is currently insufficient to determine the role of this variant in disease. Therefore, it has been classified as a Variant of Uncertain Significance. Algorithms developed to predict the effect of missense changes on protein structure and function are either unavailable or do not agree on the potential impact of this missense change (SIFT: "Deleterious"; PolyPhen-2: "Possibly Damaging"; Align-GVGD: "Class C0"). This variant has not been reported in the literature in individuals affected with CACNA1D-related conditions. This variant is not present in population databases (gnomAD no frequency). This sequence change replaces leucine, which is neutral and non-polar, with proline, which is neutral and non-polar, at codon 1971 of the CACNA1D protein (p.Leu1971Pro).

NM_001128840.3(CACNA1D):c.5852T>C (p.Leu1951Pro)

Gene: CACNA1D (calcium voltage-gated channel subunit alpha1 D; plus strand). Cytogenetic location: 3p21.1.
Variant type: single nucleotide variant.
Coding change: c.5852T>C on transcript NM_001128840.3 (MANE Select); coding-DNA position 5852, T replaced by C.
Protein change: p.Leu1951Pro; replaces leucine 1951 with proline.
Molecular consequence: missense variant.
Genome position (GRCh38, 1-based): chr3:53,808,751, T>C. VCF-style: chr3-53808751-T-C. GRCh37 (hg19) VCF-style: chr3-53842778-T-C.
Other names: c.5912T>C, p.Leu1971Pro (NM_000720.4); c.5780T>C, p.Leu1927Pro (NM_001128839.3); short protein forms L1927P, L1971P, L1951P.
Identifiers: ClinVar variation 1944278 (VCV001944278.5), dbSNP rs2474546403, ClinGen allele CA353256338.